The following is an entry in ClinVar:

NM_001184900.3(CARD8):c.232G>A (p.Val78Ile)

Gene: CARD8 (caspase recruitment domain family member 8; minus strand). Cytogenetic location: 19q13.33.
Variant type: single nucleotide variant.
Coding change: c.232G>A on transcript NM_001184900.3 (MANE Select); coding-DNA position 232, G replaced by A.
Protein change: p.Val78Ile; replaces valine 78 with isoleucine.
Molecular consequence: missense variant. On other transcripts: 5 prime UTR variant (6), synonymous variant (1), non-coding transcript variant (4).
Genome position (GRCh38, 1-based): chr19:48,234,521, C>T on the plus strand (G>A on the coding strand, the complement: CARD8 is on the minus strand). VCF-style: chr19-48234521-C-T. GRCh37 (hg19) VCF-style: chr19-48737778-C-T.
Other names: c.82G>A, p.Val28Ile (NM_001184901.1, NM_001351783.2, NM_001351788.2 and 2 more transcripts); c.232G>A, p.Val78Ile (NM_001184902.2, NM_001184903.1, NM_001351782.2); c.-43G>A (NM_001351784.2, NM_001351787.2, NM_001351791.2 and 2 more transcripts); c.-257G>A (NM_001351786.2); c.30G>A, p.Val10= (NM_001351790.2); short protein forms V78I, V28I.
Identifiers: ClinVar variation 1436868 (VCV001436868.8), dbSNP rs1372987218, ClinGen allele CA406647101.
Genomic context (GRCh38, chr19:48,234,521, plus strand): 5'-CTGCCTCTGTCTCATCATCTTCTTGGAAAAAATGTGAGATGTCACAAAGGGTCTCAGAAA[C>T]ACAGGGTAGCTCCCTGTATACCCTGGAAAACAACAACAGAATTTTTACTATGAATATAAG-3'
Protein context (NP_001171829.1, residues 68-88): NDTVYRELPC[Val78Ile]SETLCDISHF

ClinVar aggregate classification (germline): Uncertain significance (1 of 4 stars; one submission).

Allele frequency attached by ClinVar (database versions not stated): gnomAD exomes below 0.00001; TOPMed 0.00001.
gnomAD v4.1: 2 of 1,613,668 alleles (0.00012%); highest among the groups gnomAD compares: African/African-American, 0.0027%; no homozygotes.

Submission:

Labcorp Genetics (formerly Invitae), Labcorp
Classification: Uncertain significance. Last evaluated: 2022-10-18. Review status: criteria provided, single submitter. Criteria: Invitae Variant Classification Sherloc (09022015). Collection method: clinical testing. Allele origin: germline.
Comment: In summary, the available evidence is currently insufficient to determine the role of this variant in disease. Therefore, it has been classified as a Variant of Uncertain Significance. Algorithms developed to predict the effect of missense changes on protein structure and function (SIFT, PolyPhen-2, Align-GVGD) all suggest that this variant is likely to be tolerated. ClinVar contains an entry for this variant (Variation ID: 1436868). This variant has not been reported in the literature in individuals affected with CARD8-related conditions. This variant is not present in population databases (gnomAD no frequency). This sequence change replaces valine, which is neutral and non-polar, with isoleucine, which is neutral and non-polar, at codon 28 of the CARD8 protein (p.Val28Ile).